The following is an entry in ClinVar:

ClinVar aggregate classification (germline): Uncertain significance. Review status: criteria provided, multiple submitters, no conflicts (2 of 4 stars). 3 submissions from 3 submitters: Uncertain significance (3). Last evaluated 2025-12-19.

Conditions:
Hereditary cancer-predisposing syndrome. Also called: Tumor predisposition; Hereditary neoplastic syndrome; Hereditary Cancer Syndrome; Neoplastic Syndromes, Hereditary. Identifiers: Orphanet 140162, MedGen C0027672, MeSH D009386, MONDO:0015356.
Familial cancer of breast. Also called: BREAST CANCER, FAMILIAL; Hereditary breast cancer; hereditary breast carcinoma. Identifiers: Orphanet 227535, MedGen C0346153, MONDO:0016419, OMIM 114480. Disease mechanism: loss of function.

Submissions (3):

Ambry Genetics
Classification: Uncertain significance for Hereditary cancer-predisposing syndrome. Last evaluated: 2025-12-19. Review status: criteria provided, single submitter. Criteria: Ambry Variant Classification Scheme 2023. Collection method: clinical testing. Allele origin: germline.
Comment: The p.A721V variant (also known as c.2162C>T), located in coding exon 11 of the BARD1 gene, results from a C to T substitution at nucleotide position 2162. The alanine at codon 721 is replaced by valine, an amino acid with similar properties. This amino acid position is conserved. In addition, the in silico prediction for this alteration is inconclusive. Based on the available evidence, the clinical significance of this variant remains unclear.

Labcorp Genetics (formerly Invitae), Labcorp
Classification: Uncertain significance for Familial cancer of breast. Last evaluated: 2024-11-15. Review status: criteria provided, single submitter. Criteria: Invitae Variant Classification Sherloc (09022015). Collection method: clinical testing. Allele origin: germline.
Comment: This sequence change replaces alanine, which is neutral and non-polar, with valine, which is neutral and non-polar, at codon 721 of the BARD1 protein (p.Ala721Val). This variant is not present in population databases (gnomAD no frequency). This variant has not been reported in the literature in individuals affected with BARD1-related conditions. ClinVar contains an entry for this variant (Variation ID: 918910). An algorithm developed to predict the effect of missense changes on protein structure and function (PolyPhen-2) suggests that this variant is likely to be disruptive. In summary, the available evidence is currently insufficient to determine the role of this variant in disease. Therefore, it has been classified as a Variant of Uncertain Significance.

Color Diagnostics, LLC DBA Color Health
Classification: Uncertain significance for Hereditary cancer-predisposing syndrome. Last evaluated: 2023-12-05. Review status: criteria provided, single submitter. Criteria: ACMG Guidelines, 2015. Collection method: clinical testing. Allele origin: germline.
Comment: This missense variant replaces alanine with valine at codon 721 of the BARD1 protein. Computational prediction suggests that this variant may not impact protein structure and function (internally defined REVEL score threshold <= 0.5, PMID: 27666373). To our knowledge, functional studies have not been reported for this variant. This variant has not been reported in individuals affected with BARD1-related disorders in the literature. This variant has not been identified in the general population by the Genome Aggregation Database (gnomAD). The available evidence is insufficient to determine the role of this variant in disease conclusively. Therefore, this variant is classified as a Variant of Uncertain Significance.

NM_000465.4(BARD1):c.2162C>T (p.Ala721Val)

Gene: BARD1 (BRCA1 associated RING domain 1; minus strand). Cytogenetic location: 2q35.
Variant type: single nucleotide variant.
Coding change: c.2162C>T on transcript NM_000465.4 (MANE Select); coding-DNA position 2162, C replaced by T.
Protein change: p.Ala721Val; replaces alanine 721 with valine.
Molecular consequence: missense variant. On other transcripts: non-coding transcript variant (3).
Genome position (GRCh38, 1-based): chr2:214,728,848, G>A on the plus strand (C>T on the coding strand, the complement: BARD1 is on the minus strand). VCF-style: chr2-214728848-G-A. GRCh37 (hg19) VCF-style: chr2-215593572-G-A.
Other names: c.2105C>T, p.Ala702Val (NM_001282543.2); c.809C>T, p.Ala270Val (NM_001282545.2); c.752C>T, p.Ala251Val (NM_001282548.2); c.623C>T, p.Ala208Val (NM_001282549.2); c.2162C>T (NM_000465.2); short protein forms A208V, A251V, A702V, A270V, A721V.
Identifiers: ClinVar variation 918910 (VCV000918910.9), dbSNP rs1692212919, ClinGen allele CA350450430.
Genomic context (GRCh38, chr2:214,728,848, plus strand): 5'-TCTTCATAGATGATATACTGTGTGCAGAAGCGCTGATCAGAATCGGGTCTCGCATGGTAT[G>A]CGACTGTATTGATGGTCTGAGTCACGTCACTGTCTGGCTTGGGCTTTCTACTGAGGATCT-3'
Protein context (NP_000456.2, residues 711-731): SDVTQTINTV[Ala721Val]YHARPDSDQR